The following is an entry in ClinVar:

NM_002103.5(GYS1):c.1338C>T (p.His446=)

Gene: GYS1 (glycogen synthase 1; minus strand). Cytogenetic location: 19q13.33.
Variant type: single nucleotide variant.
Coding change: c.1338C>T on transcript NM_002103.5 (MANE Select); coding-DNA position 1338, C replaced by T.
Protein change: p.His446=; no amino-acid change (histidine 446 retained).
Molecular consequence: synonymous variant. On other transcripts: non-coding transcript variant (1).
Genome position (GRCh38, 1-based): chr19:48,974,704, G>A on the plus strand (C>T on the coding strand, the complement: GYS1 is on the minus strand). VCF-style: chr19-48974704-G-A. GRCh37 (hg19) VCF-style: chr19-49477961-G-A.
Other names: p.His446=; c.1146C>T, p.His382= (NM_001161587.2).
Identifiers: ClinVar variation 893131 (VCV000893131.14), dbSNP rs139974904, ClinGen allele CA9562972.

ClinVar aggregate classification (germline): Conflicting classifications of pathogenicity. Review status: criteria provided, conflicting classifications (1 of 4 stars). 3 submissions from 3 submitters: Uncertain significance (1); Likely benign (2). Last evaluated 2025-12-01.

Conditions:
Glycogen storage disease due to muscle and heart glycogen synthase deficiency. Also called: GSD 0b; MUSCLE GLYCOGEN SYNTHASE DEFICIENCY. Identifiers: Orphanet 137625, MedGen C1969054, MONDO:0012693, OMIM 611556.

Allele frequency attached by ClinVar (database versions not stated): ESP Exome Variant Server 0.00023; TOPMed 0.00025; gnomAD 0.00028 and 0.00029; gnomAD exomes 0.00032 and 0.00045; ExAC 0.00044.
gnomAD v4.1: 689 of 1,613,696 alleles (0.043%); highest among the groups gnomAD compares: Non-Finnish European, 0.054%; no homozygotes.

Submissions (3):

Labcorp Genetics (formerly Invitae), Labcorp
Classification: Likely benign for Glycogen storage disease due to muscle and heart glycogen synthase deficiency. Last evaluated: 2025-12-01. Review status: criteria provided, single submitter. Criteria: Invitae Variant Classification Sherloc (09022015). Collection method: clinical testing. Allele origin: germline.

Mayo Clinic Laboratories, Mayo Clinic
Classification: Likely benign. Last evaluated: 2025-11-05. Review status: criteria provided, single submitter. Criteria: ACMG Guidelines, 2015. Collection method: clinical testing. Allele origin: germline. Observed: 2 variant alleles.
Comment: BP4, BP7

Illumina Laboratory Services, Illumina
Classification: Uncertain significance for Glycogen storage disease due to muscle and heart glycogen synthase deficiency. Last evaluated: 2018-01-13. Review status: criteria provided, single submitter. Criteria: ICSL Variant Classification Criteria 13 December 2019. Collection method: clinical testing. Allele origin: germline.